The following is an entry in ClinVar:

ClinVar aggregate classification (germline): Likely benign. Review status: criteria provided, single submitter (1 of 4 stars). 2 submissions from 2 submitters: Likely benign (1). 1 of the submissions does not count toward it. Last evaluated 2023-03-12.

Conditions:
Cohen syndrome (COH1). Also called: Cutis verticis gyrata, retinitis pigmentosa, and sensorineural deafness; PEPPER SYNDROME. Identifiers: Orphanet 193, MedGen C0265223, MONDO:0008999, OMIM 216550.
VPS13B-related disorder. Also called: VPS13B-related condition.

Allele frequency attached by ClinVar (database versions not stated): gnomAD exomes 0.00001.
gnomAD v4.1: 7 of 1,611,254 alleles (0.00043%); highest among the groups gnomAD compares: Non-Finnish European, 0.00059%; no homozygotes.

Submissions (2):

Labcorp Genetics (formerly Invitae), Labcorp
Classification: Likely benign for Cohen syndrome. Last evaluated: 2023-03-12. Review status: criteria provided, single submitter. Criteria: Invitae Variant Classification Sherloc (09022015). Collection method: clinical testing. Allele origin: germline.

PreventionGenetics, part of Exact Sciences
Classification: Likely benign for VPS13B-related condition. Last evaluated: 2023-11-12. Review status: no assertion criteria provided. Collection method: clinical testing. Allele origin: germline. Not counted in ClinVar's aggregate classification.
Comment: This variant is classified as likely benign based on ACMG/AMP sequence variant interpretation guidelines (Richards et al. 2015 PMID: 25741868, with internal and published modifications).

NM_152564.5(VPS13B):c.1652-7C>A

Gene: VPS13B (vacuolar protein sorting 13 homolog B; plus strand). Cytogenetic location: 8q22.2.
Variant type: single nucleotide variant.
Coding change: c.1652-7C>A on transcript NM_152564.5 (MANE Select); 7 bases into the intron before coding-DNA position 1652, C replaced by A.
Molecular consequence: intron variant.
Genome position (GRCh38, 1-based): chr8:99,142,967, C>A. VCF-style: chr8-99142967-C-A. GRCh37 (hg19) VCF-style: chr8-100155195-C-A.
Other names: c.1652-7C>A (NM_017890.5, NM_015243.3, NM_152564.4).
Identifiers: ClinVar variation 1095221 (VCV001095221.10), dbSNP rs2132580880, ClinGen allele CA2499219463.